The following is an entry in ClinVar:

ClinVar aggregate classification (germline): Uncertain significance. Review status: criteria provided, multiple submitters, no conflicts (2 of 4 stars). 2 submissions from 2 submitters: Uncertain significance (2). Last evaluated 2025-10-07.

Conditions:
Primary ciliary dyskinesia 28. Also called: CILIARY DYSKINESIA, PRIMARY, 28, WITH OR WITHOUT SITUS INVERSUS. Identifiers: Orphanet 244, MedGen C3809706, MONDO:0014216, OMIM 615505.
Primary ciliary dyskinesia. Also called: Ciliary dyskinesia. Identifiers: Orphanet 244, MedGen C0008780, MONDO:0016575, HP:0012265.

Allele frequency attached by ClinVar (database versions not stated): TOPMed 0.00006.
gnomAD v4.1: 10 of 1,393,010 alleles (0.00072%); highest among the groups gnomAD compares: African/African-American, 0.011%; no homozygotes.

Submissions (2):

Ambry Genetics
Classification: Uncertain significance for Primary ciliary dyskinesia. Last evaluated: 2025-10-07. Review status: criteria provided, single submitter. Criteria: Ambry Variant Classification Scheme 2023. Collection method: clinical testing. Allele origin: germline.

Labcorp Genetics (formerly Invitae), Labcorp
Classification: Uncertain significance for Primary ciliary dyskinesia 28. Last evaluated: 2022-02-28. Review status: criteria provided, single submitter. Criteria: Invitae Variant Classification Sherloc (09022015). Collection method: clinical testing. Allele origin: germline.
Comment: This sequence change replaces proline, which is neutral and non-polar, with arginine, which is basic and polar, at codon 410 of the SPAG1 protein (p.Pro410Arg). This variant is present in population databases (no rsID available, gnomAD 0.03%). This variant has not been reported in the literature in individuals affected with SPAG1-related conditions. ClinVar contains an entry for this variant (Variation ID: 410991). Algorithms developed to predict the effect of missense changes on protein structure and function (SIFT, PolyPhen-2, Align-GVGD) all suggest that this variant is likely to be tolerated. In summary, the available evidence is currently insufficient to determine the role of this variant in disease. Therefore, it has been classified as a Variant of Uncertain Significance.

NM_003114.5(SPAG1):c.1229C>G (p.Pro410Arg)

Genes: SPAG1 (sperm associated antigen 1; plus strand), LOC130000832 (ATAC-STARR-seq lymphoblastoid silent region 19412; plus strand). Cytogenetic location: 8q22.2.
Variant type: single nucleotide variant.
Coding change: c.1229C>G on transcript NM_003114.5 (MANE Select); coding-DNA position 1229, C replaced by G.
Protein change: p.Pro410Arg; replaces proline 410 with arginine.
Molecular consequence: missense variant.
Genome position (GRCh38, 1-based): chr8:100,213,222, C>G. VCF-style: chr8-100213222-C-G. GRCh37 (hg19) VCF-style: chr8-101225450-C-G.
Other names: c.1229C>G, p.Pro410Arg (NM_001374321.1, NM_172218.3); short protein forms P410R.
Identifiers: ClinVar variation 410991 (VCV000410991.6), dbSNP rs971341609, ClinGen allele CA16612450.